The following is an entry in ClinVar:

NM_001009944.3(PKD1):c.10233G>A (p.Trp3411Ter)

Gene: PKD1 (polycystin 1, transient receptor potential channel interacting; minus strand). Cytogenetic location: 16p13.3.
Variant type: single nucleotide variant.
Coding change: c.10233G>A on transcript NM_001009944.3 (MANE Select); coding-DNA position 10233, G replaced by A.
Protein change: p.Trp3411Ter; replaces tryptophan 3411 with a stop codon.
Molecular consequence: nonsense.
Genome position (GRCh38, 1-based): chr16:2,097,491, C>T on the plus strand (G>A on the coding strand, the complement: PKD1 is on the minus strand). VCF-style: chr16-2097491-C-T. GRCh37 (hg19) VCF-style: chr16-2147492-C-T.
Other names: c.10230G>A, p.Trp3410Ter (NM_000296.4); short protein forms W3410*, W3411*.
Identifiers: ClinVar variation 2627962 (VCV002627962.2), dbSNP rs1300254603, ClinGen allele CA394347213.

ClinVar aggregate classification (germline): Pathogenic/Likely pathogenic. Review status: criteria provided, multiple submitters, no conflicts (2 of 4 stars). 2 submissions from 2 submitters: Pathogenic (1); Likely pathogenic (1). Last evaluated 2026-05-07.

Conditions:
Polycystic kidney disease, adult type (PKD1). Also called: POLYCYSTIC KIDNEY DISEASE 1 WITH OR WITHOUT POLYCYSTIC LIVER DISEASE; Polycystic Kidney, Autosomal Dominant; POLYCYSTIC KIDNEY DISEASE, ADULT, TYPE I; Polycystic Kidney Disease 1, Autosomal Dominant; Polycystic kidney disease 1; Polycystic kidney disease 1, severe. Identifiers: MedGen C3149841, MONDO:0008263, OMIM 173900.

Submissions (2):

Women's Health and Genetics/Laboratory Corporation of America, LabCorp
Classification: Pathogenic for Polycystic kidney disease, adult type. Last evaluated: 2026-05-07. Review status: criteria provided, single submitter. Criteria: LabCorp Variant Classification Summary - May 2015. Collection method: clinical testing. Allele origin: germline.
Comment: Variant summary: PKD1 c.10233G>A (p.Trp3411X) results in a premature termination codon, predicted to cause a truncation of the encoded protein or absence of the protein due to nonsense mediated decay, which are commonly known mechanisms for disease. The frequency data for this variant in gnomAD is considered unreliable, as metrics indicate poor data quality at this position. A different variant with the same p.Trp3411X effect (c.10232G>A) has been reported in the heterozygous state in individuals with clinical features of ADPKD (e.g. Neumann_2013, Audrezet_2016). The following publications have been ascertained in the context of this evaluation (PMID: 23300259, 37372410, 26139440). ClinVar contains an entry for this variant (Variation ID: 2627962). Based on the evidence outlined above, the variant was classified as pathogenic.

Neuberg Centre For Genomic Medicine, NCGM
Classification: Likely pathogenic for Polycystic kidney disease, adult type. Review status: criteria provided, single submitter. Criteria: ACMG Guidelines, 2015. Collection method: clinical testing. Allele origin: germline. Inheritance: Autosomal dominant inheritance. Affected: yes.
Comment: The stop gained p.W3411* in PKD1 (NM_001009944.3) has not been reported previously as a pathogenic variant nor as a benign variant, to our knowledge. This variant is novel (not in any individuals) in gnomAD Exomes. The p.W3411* variant is novel (not in any individuals) in 1000 Genomes. This variant is predicted to cause loss of normal protein function through protein truncation. The p.W3411* variant is a loss of function variant in the gene PKD1, which is intolerant of Loss of Function variants. The nucleotide change in PKD1 is predicted as conserved by GERP++ and PhyloP across 100 vertebrates. For these reasons, this variant has been classified as Likely Pathogenic.

Literature cited by the submitters: PubMed 26139440 (cited by Women's Health and Genetics/Laboratory Corporation of America, LabCorp); PubMed 23300259 (cited by Women's Health and Genetics/Laboratory Corporation of America, LabCorp); PubMed 37372410 (cited by Women's Health and Genetics/Laboratory Corporation of America, LabCorp).